The following is an entry in ClinVar:

NM_001130438.3(SPTAN1):c.5462A>G (p.His1821Arg)

Gene: SPTAN1 (spectrin alpha, non-erythrocytic 1; plus strand). Cytogenetic location: 9q34.11.
Variant type: single nucleotide variant.
Coding change: c.5462A>G on transcript NM_001130438.3 (MANE Select); coding-DNA position 5462, A replaced by G.
Protein change: p.His1821Arg; replaces histidine 1821 with arginine.
Molecular consequence: missense variant.
Genome position (GRCh38, 1-based): chr9:128,617,744, A>G. VCF-style: chr9-128617744-A-G. GRCh37 (hg19) VCF-style: chr9-131380023-A-G.
Other names: c.5387A>G, p.His1796Arg (NM_001195532.2); c.5462A>G, p.His1821Arg (NM_001363759.2, NM_001375310.1, NM_001375311.2 and 1 more transcripts); c.5402A>G, p.His1801Arg (NM_001363765.2, NM_001375314.2); c.5498A>G, p.His1833Arg (NM_001375312.2, NM_001375318.1); c.5447A>G, p.His1816Arg (NM_003127.4); short protein forms H1796R, H1801R, H1816R, H1821R, H1833R.
Identifiers: ClinVar variation 3367323 (VCV003367323.1).
Genomic context (GRCh38, chr9:128,617,744, plus strand): 5'-TAACCGGCGTGCAGAACCTGAGGAAGAAGCACAAGCGGCTGGAAGCAGAACTGGCTGCGC[A>G]TGAGCCGGCTATTCAGGTAAGGAGGCCGCCTTCTGGCCAAGAGGGCAGAGGTGTTTGAGT-3'
Protein context (NP_001123910.1, residues 1811-1831): HKRLEAELAA[His1821Arg]EPAIQGVLDT

ClinVar aggregate classification (germline): Uncertain significance (1 of 4 stars; one submission).

gnomAD v4.1: 2 of 1,614,012 alleles (0.00012%); highest among the groups gnomAD compares: African/African-American, 0.0013%; no homozygotes.

Submission:

GeneDx
Classification: Uncertain significance. Last evaluated: 2023-12-26. Review status: criteria provided, single submitter. Criteria: GeneDx Variant Classification Process June 2021. Collection method: clinical testing. Allele origin: germline. Affected: yes.
Comment: Not observed at significant frequency in large population cohorts (gnomAD); In silico analysis supports that this missense variant has a deleterious effect on protein structure/function; Has not been previously published as pathogenic or benign to our knowledge